The following is an entry in ClinVar:

NM_000038.6(APC):c.4345A>G (p.Lys1449Glu)

Gene: APC (APC regulator of Wnt signaling pathway; plus strand). Cytogenetic location: 5q22.2.
Variant type: single nucleotide variant.
Coding change: c.4345A>G on transcript NM_000038.6 (MANE Select); coding-DNA position 4345, A replaced by G.
Protein change: p.Lys1449Glu; replaces lysine 1449 with glutamic acid.
Molecular consequence: missense variant. On other transcripts: non-coding transcript variant (2).
Genome position (GRCh38, 1-based): chr5:112,839,939, A>G. VCF-style: chr5-112839939-A-G. GRCh37 (hg19) VCF-style: chr5-112175636-A-G.
Other names: c.4345A>G, p.Lys1449Glu (NM_001127510.3, NM_001354895.2, NM_001407450.1); c.4291A>G, p.Lys1431Glu (NM_001127511.3); c.4399A>G, p.Lys1467Glu (NM_001354896.2, NM_001407447.1, NM_001407448.1 and 1 more transcripts); c.4375A>G, p.Lys1459Glu (NM_001354897.2); c.4270A>G, p.Lys1424Glu (NM_001354898.2); c.4261A>G, p.Lys1421Glu (NM_001354899.2); c.4222A>G, p.Lys1408Glu (NM_001354900.2); c.4168A>G, p.Lys1390Glu (NM_001354901.2, NM_001407453.1); and 11 more; short protein forms K1065E, K1166E, K1289E, K1320E, K1323E, K1348E, K1358E, K1366E.
Identifiers: ClinVar variation 2502082 (VCV002502082.4), dbSNP rs1561591676, ClinGen allele CA16030850.

ClinVar aggregate classification (germline): Uncertain significance. Review status: criteria provided, multiple submitters, no conflicts (2 of 4 stars). 2 submissions from 2 submitters: Uncertain significance (2). Last evaluated 2023-08-08.

Conditions:
Familial adenomatous polyposis 1 (FAP1). Also called: POLYPOSIS, ADENOMATOUS INTESTINAL; FAMILIAL ADENOMATOUS POLYPOSIS 1, ATTENUATED. Identifiers: MedGen C2713442, MONDO:0021056, OMIM 175100. Disease mechanism: loss of function.

Submissions (2):

Labcorp Genetics (formerly Invitae), Labcorp
Classification: Uncertain significance for Familial adenomatous polyposis 1. Last evaluated: 2023-08-08. Review status: criteria provided, single submitter. Criteria: Invitae Variant Classification Sherloc (09022015). Collection method: clinical testing. Allele origin: germline.
Comment: This sequence change replaces lysine, which is basic and polar, with glutamic acid, which is acidic and polar, at codon 1449 of the APC protein (p.Lys1449Glu). This variant is not present in population databases (gnomAD no frequency). This variant has not been reported in the literature in individuals affected with APC-related conditions. ClinVar contains an entry for this variant (Variation ID: 2502082). Advanced modeling of protein sequence and biophysical properties (such as structural, functional, and spatial information, amino acid conservation, physicochemical variation, residue mobility, and thermodynamic stability) performed at Invitae indicates that this missense variant is not expected to disrupt APC protein function. In summary, the available evidence is currently insufficient to determine the role of this variant in disease. Therefore, it has been classified as a Variant of Uncertain Significance.

GeneDx
Classification: Uncertain significance. Last evaluated: 2022-11-14. Review status: criteria provided, single submitter. Criteria: GeneDx Variant Classification Process June 2021. Collection method: clinical testing. Allele origin: germline. Affected: yes.
Comment: Not observed at significant frequency in large population cohorts (gnomAD); In silico analysis supports that this missense variant does not alter protein structure/function; Has not been previously published as pathogenic or benign to our knowledge; This variant is associated with the following publications: (PMID: 18199528)